The following is an entry in ClinVar:

ClinVar aggregate classification (germline): Likely benign (1 of 4 stars; one submission).

Allele frequency attached by ClinVar (database versions not stated): 1000 Genomes Project 30x 0.00016; ExAC 0.00019; 1000 Genomes Project 0.00020; ESP Exome Variant Server 0.00024.
gnomAD v4.1: 212 of 1,609,860 alleles (0.013%); highest among the groups gnomAD compares: African/African-American, 0.023%; 1 homozygote.

Submission:

CeGaT Center for Human Genetics Tuebingen
Classification: Likely benign. Last evaluated: 2023-12-01. Review status: criteria provided, single submitter. Criteria: CeGaT Center For Human Genetics Tuebingen Variant Classification Criteria Version 2. Collection method: clinical testing. Allele origin: germline. Affected: yes. Observed: 1 variant allele.
Comment: AHNAK2: BP4

NM_138420.4(AHNAK2):c.7012G>A (p.Glu2338Lys)

Gene: AHNAK2 (AHNAK nucleoprotein 2; minus strand). Cytogenetic location: 14q32.33.
Variant type: single nucleotide variant.
Coding change: c.7012G>A on transcript NM_138420.4 (MANE Select); coding-DNA position 7012, G replaced by A.
Protein change: p.Glu2338Lys; replaces glutamic acid 2338 with lysine.
Molecular consequence: missense variant.
Genome position (GRCh38, 1-based): chr14:104,948,439, C>T on the plus strand (G>A on the coding strand, the complement: AHNAK2 is on the minus strand). VCF-style: chr14-104948439-C-T. GRCh37 (hg19) VCF-style: chr14-105414776-C-T.
Other names: c.6712G>A, p.Glu2238Lys (NM_001350929.2); short protein forms E2238K, E2338K.
Identifiers: ClinVar variation 3025727 (VCV003025727.22), dbSNP rs369341222, ClinGen allele CA7380813.